The following is an entry in ClinVar:

NM_001613.4(ACTA2):c.872T>A (p.Ile291Asn)

Genes: ACTA2 (actin alpha 2, smooth muscle; minus strand), ACTA2-AS1 (ACTA2 antisense RNA 1; plus strand). Cytogenetic location: 10q23.31.
Variant type: single nucleotide variant.
Coding change: c.872T>A on transcript NM_001613.4 (MANE Select); coding-DNA position 872, T replaced by A.
Protein change: p.Ile291Asn; replaces isoleucine 291 with asparagine.
Molecular consequence: missense variant.
Genome position (GRCh38, 1-based): chr10:88,938,179, A>T on the plus strand (T>A on the coding strand, the complement: ACTA2 is on the minus strand). VCF-style: chr10-88938179-A-T. GRCh37 (hg19) VCF-style: chr10-90697936-A-T.
Other names: c.872T>A, p.Ile291Asn (NM_001141945.3, NM_001320855.2, NM_001406462.1 and 2 more transcripts); c.761T>A, p.Ile254Asn (NM_001406466.1); c.743T>A, p.Ile248Asn (NM_001406467.1, NM_001406468.1, NM_001406469.1); c.680T>A, p.Ile227Asn (NM_001406471.1); short protein forms I227N, I248N, I254N, I291N.
Identifiers: ClinVar variation 3075539 (VCV003075539.1), dbSNP rs1845780569, ClinGen allele CA377510898.

ClinVar aggregate classification (germline): Uncertain significance (1 of 4 stars; one submission).

Conditions:
Familial thoracic aortic aneurysm and aortic dissection (TAAD). Also called: Thoracic aortic aneurysms and dissections. Identifiers: Orphanet 91387, MedGen C4707243, MONDO:0019625.

Allele frequency attached by ClinVar (database versions not stated): gnomAD 0.00001.
gnomAD v4.1: 1 of 1,613,860 alleles (0.000062%); highest among the groups gnomAD compares: Non-Finnish European, 0.000085%; no homozygotes.

Submission:

All of Us Research Program, National Institutes of Health
Classification: Uncertain significance for Familial thoracic aortic aneurysm and aortic dissection. Last evaluated: 2023-05-30. Review status: criteria provided, single submitter. Criteria: ACMG Guidelines, 2015. Collection method: clinical testing. Allele origin: germline. Inheritance: Autosomal dominant inheritance. Observed: 1 variant allele, 1 heterozygote.
Comment: This missense variant replaces isoleucine with asparagine at codon 291 of the ACTA2 protein. Computational prediction suggests that this variant may have deleterious impact on protein structure and function (internally defined REVEL score threshold >= 0.7, PMID: 27666373). To our knowledge, functional studies have not been reported for this variant. This variant has not been reported in individuals affected with cardiovascular disorders in the literature. This variant has not been identified in the general population by the Genome Aggregation Database (gnomAD). The available evidence is insufficient to determine the role of this variant in disease conclusively. Therefore, this variant is classified as a Variant of Uncertain Significance.

This study involves interpretation of variants in research participants for the purpose of population health screening. Participant phenotype was not available at the time of variant classification. Additional details can be found in publication PMID: 35346344, PMCID: PMC8962531